The following is an entry in ClinVar:

ClinVar aggregate classification (germline): Uncertain significance (1 of 4 stars; one submission).

Allele frequency attached by ClinVar (database versions not stated): gnomAD exomes below 0.00001.

Submission:

GeneDx
Classification: Uncertain significance. Last evaluated: 2026-06-05. Review status: criteria provided, single submitter. Criteria: GeneDx Variant Classification Process June 2021. Collection method: clinical testing. Allele origin: germline.
Comment: Not observed at significant frequency in large population cohorts (gnomAD); In silico analysis supports that this missense variant has a deleterious effect on protein structure/function; Has not been previously published as pathogenic or benign to our knowledge

NM_000383.4(AIRE):c.838C>T (p.Pro280Ser)

Gene: AIRE (autoimmune regulator; plus strand). Cytogenetic location: 21q22.3.
Variant type: single nucleotide variant.
Coding change: c.838C>T on transcript NM_000383.4 (MANE Select); coding-DNA position 838, C replaced by T.
Protein change: p.Pro280Ser; replaces proline 280 with serine.
Molecular consequence: missense variant.
Genome position (GRCh38, 1-based): chr21:44,290,027, C>T. VCF-style: chr21-44290027-C-T. GRCh37 (hg19) VCF-style: chr21-45709910-C-T.
Other names: short protein forms P280S.
Identifiers: ClinVar variation 2504735 (VCV002504735.2), dbSNP rs2517880829, ClinGen allele CA410424689.